The following is an entry in ClinVar:

NM_000548.5(TSC2):c.1299C>T (p.Ser433=)

Gene: TSC2 (TSC complex subunit 2; plus strand). Cytogenetic location: 16p13.3.
Variant type: single nucleotide variant.
Coding change: c.1299C>T on transcript NM_000548.5 (MANE Select); coding-DNA position 1299, C replaced by T.
Protein change: p.Ser433=; no amino-acid change (serine 433 retained).
Molecular consequence: synonymous variant.
Genome position (GRCh38, 1-based): chr16:2,062,538, C>T. VCF-style: chr16-2062538-C-T. GRCh37 (hg19) VCF-style: chr16-2112539-C-T.
Other names: c.1299C>T, p.Ser433= (NM_001077183.3, NM_001114382.3, NM_001363528.2 and 3 more transcripts); c.1188C>T, p.Ser396= (NM_001318827.2); c.1152C>T, p.Ser384= (NM_001318829.2); c.699C>T, p.Ser233= (NM_001318831.2); c.1332C>T, p.Ser444= (NM_001318832.2).
Identifiers: ClinVar variation 413744 (VCV000413744.19), dbSNP rs993220492, ClinGen allele CA16614707.

ClinVar aggregate classification (germline): Benign/Likely benign. Review status: criteria provided, multiple submitters, no conflicts (2 of 4 stars). 5 submissions from 5 submitters: Benign (2); Likely benign (3). Last evaluated 2025-10-23.

Conditions:
Tuberous sclerosis syndrome (TSC). Also called: Tuberous Sclerosis Complex; Tuberous sclerosis. Identifiers: Orphanet 805, MedGen C0041341, MONDO:0001734.
Hereditary cancer-predisposing syndrome. Also called: Tumor predisposition; Neoplastic Syndromes, Hereditary; Hereditary Cancer Syndrome; Hereditary neoplastic syndrome. Identifiers: Orphanet 140162, MedGen C0027672, MeSH D009386, MONDO:0015356.
Tuberous sclerosis 2 (TSC2). Identifiers: Orphanet 805, MedGen C1860707, MONDO:0013199, OMIM 613254.

Allele frequency attached by ClinVar (database versions not stated): gnomAD exomes below 0.00001; TOPMed below 0.00001.

Submissions (5):

Labcorp Genetics (formerly Invitae), Labcorp
Classification: Likely benign for Tuberous sclerosis 2. Last evaluated: 2025-10-23. Review status: criteria provided, single submitter. Criteria: Invitae Variant Classification Sherloc (09022015). Collection method: clinical testing. Allele origin: germline.

Color Diagnostics, LLC DBA Color Health
Classification: Likely benign for Tuberous sclerosis syndrome. Last evaluated: 2025-06-17. Review status: criteria provided, single submitter. Criteria: ACMG Guidelines, 2015. Collection method: clinical testing. Allele origin: germline.

Myriad Genetics, Inc.
Classification: Benign for Tuberous sclerosis 2. Last evaluated: 2025-05-13. Review status: criteria provided, single submitter. Criteria: Myriad Autosomal Dominant, Autosomal Recessive and X-Linked Classification Criteria (2023). Collection method: clinical testing. Allele origin: unknown.
Comment: This variant is considered benign. This variant is a silent/synonymous amino acid change and it is not expected to impact splicing.

Genome-Nilou Lab
Classification: Benign for Tuberous sclerosis 2. Last evaluated: 2021-11-07. Review status: criteria provided, single submitter. Criteria: ACMG Guidelines, 2015. Collection method: clinical testing. Allele origin: germline. Affected: no.

Ambry Genetics
Classification: Likely benign for Hereditary cancer-predisposing syndrome. Last evaluated: 2017-05-11. Review status: criteria provided, single submitter. Criteria: Ambry Variant Classification Scheme 2023. Collection method: clinical testing. Allele origin: germline.